The following is an entry in ClinVar:

NM_001875.5(CPS1):c.1312G>T (p.Ala438Ser)

Gene: CPS1 (carbamoyl-phosphate synthase 1; plus strand). Cytogenetic location: 2q34.
Variant type: single nucleotide variant.
Coding change: c.1312G>T on transcript NM_001875.5 (MANE Select); coding-DNA position 1312, G replaced by T.
Protein change: p.Ala438Ser; replaces alanine 438 with serine.
Molecular consequence: missense variant. On other transcripts: non-coding transcript variant (2).
Genome position (GRCh38, 1-based): chr2:210,595,535, G>T. VCF-style: chr2-210595535-G-T. GRCh37 (hg19) VCF-style: chr2-211460259-G-T.
Other names: c.1312G>T, p.Ala438Ser (NM_001122633.3, NM_001369257.1); c.1345G>T, p.Ala449Ser (NM_001369256.1); short protein forms A438S, A449S.
Identifiers: ClinVar variation 2228734 (VCV002228734.4), dbSNP rs772497399, ClinGen allele CA2086332.
Genomic context (GRCh38, chr2:210,595,535, plus strand): 5'-TATTGCTTATAGGTTTCCAAAGTCCTTATTCTAGGATCAGGAGGTCTGTCCATTGGTCAG[G>T]CTGGAGAATTTGATTACTCAGGATCTCAAGCTGTAAAAGCCATGAAGGTGAGAGAATATG-3'
Protein context (NP_001866.2, residues 428-448): LGSGGLSIGQ[Ala438Ser]GEFDYSGSQA

ClinVar aggregate classification (germline): Conflicting classifications of pathogenicity. Review status: criteria provided, conflicting classifications (1 of 4 stars). 3 submissions from 3 submitters: Likely pathogenic (1); Uncertain significance (2). Last evaluated 2025-08-12.

Conditions:
Inborn genetic diseases. Identifiers: MedGen C0950123, MeSH D030342.
Congenital hyperammonemia, type I. Also called: Carbamoyl phosphate synthetase I deficiency disease; CPS I DEFICIENCY; Carbamoyl-phosphate synthase I deficiency; Carbamoyl phosphate synthetase 1 deficiency; Hyperammonemia due to carbamoyl phosphate synthetase 1 deficiency; CPS 1 deficiency. Identifiers: Orphanet 147, MedGen C4082171, MONDO:0009376, OMIM 237300.
Pulmonary hypertension, neonatal, susceptibility to (PHN). Identifiers: MedGen C3714958, MONDO:0014151, OMIM 615371.

Allele frequency attached by ClinVar (database versions not stated): ExAC 0.00001.
gnomAD v4.1: 10 of 1,611,504 alleles (0.00062%); highest among the groups gnomAD compares: Non-Finnish European, 0.00068%; no homozygotes.

Submissions (3):

Myriad Genetics, Inc.
Classification: Uncertain significance for Congenital hyperammonemia, type I. Last evaluated: 2025-08-12. Review status: criteria provided, single submitter. Criteria: Myriad Autosomal Dominant, Autosomal Recessive and X-Linked Classification Criteria (2023). Collection method: clinical testing. Allele origin: unknown.
Comment: NM_001875.4(CPS1):c.1312G>T(A438S) is a missense variant classified as a variant of uncertain significance in the context of carbamoylphosphate synthetase I deficiency. A438S has not been observed in cases with relevant disease. Relevant functional assessments of this variant are not available in the literature. A438S has been observed in referenced population frequency databases. In summary, there is insufficient evidence to classify NM_001875.4(CPS1):c.1312G>T(A438S) as pathogenic or benign. Please note: this variant was assessed in the context of healthy population screening.

Fulgent Genetics
Classification: Likely pathogenic for Congenital hyperammonemia, type I; Pulmonary hypertension, neonatal, susceptibility to. Last evaluated: 2024-02-29. Review status: criteria provided, single submitter. Criteria: ACMG Guidelines, 2015. Collection method: clinical testing. Allele origin: germline.

Ambry Genetics
Classification: Uncertain significance for Inborn genetic diseases. Last evaluated: 2021-01-11. Review status: criteria provided, single submitter. Criteria: Ambry Variant Classification Scheme 2023. Collection method: clinical testing. Allele origin: germline.
Comment: The c.1312G>T (p.A438S) alteration is located in exon 13 (coding exon 13) of the CPS1 gene. This alteration results from a G to T substitution at nucleotide position 1312, causing the alanine (A) at amino acid position 438 to be replaced by a serine (S). The in silico prediction for the p.A438S alteration is inconclusive. Based on insufficient or conflicting evidence, the clinical significance of this alteration remains unclear.